The following is an entry in ClinVar:

ClinVar aggregate classification (germline): Benign. Review status: criteria provided, multiple submitters, no conflicts (2 of 4 stars). 3 submissions from 3 submitters: Benign (2). 1 of the submissions does not count toward it. Last evaluated 2019-12-31.

Conditions:
MAP3K6-related disorder. Also called: MAP3K6-related condition.

Allele frequency attached by ClinVar (database versions not stated): gnomAD 0.00842; 1000 Genomes Project 30x 0.01156; ExAC 0.00949; gnomAD exomes 0.01418 and 0.00321; 1000 Genomes Project 0.01098; TOPMed 0.01319.
gnomAD v4.1: 5,957 of 1,613,534 alleles (0.37%); highest among the groups gnomAD compares: Admixed American, 9.3%; 314 homozygotes.

Submissions (3):

Labcorp Genetics (formerly Invitae), Labcorp
Classification: Benign. Last evaluated: 2019-12-31. Review status: criteria provided, single submitter. Criteria: Invitae Variant Classification Sherloc (09022015). Collection method: clinical testing. Allele origin: germline.

Breakthrough Genomics
Classification: Benign. Review status: criteria provided, single submitter. Criteria: ACMG Guidelines, 2015. Collection method: not provided. Allele origin: germline. Inheritance: Unknown mechanism. Affected: yes.

PreventionGenetics, part of Exact Sciences
Classification: Benign for MAP3K6-related condition. Last evaluated: 2019-12-18. Review status: no assertion criteria provided. Collection method: clinical testing. Allele origin: germline. Not counted in ClinVar's aggregate classification.
Comment: This variant is classified as benign based on ACMG/AMP sequence variant interpretation guidelines (Richards et al. 2015 PMID: 25741868, with internal and published modifications).

NM_004672.5(MAP3K6):c.620T>G (p.Val207Gly)

Gene: MAP3K6 (mitogen-activated protein kinase kinase kinase 6; minus strand). Cytogenetic location: 1p36.11.
Variant type: single nucleotide variant.
Coding change: c.620T>G on transcript NM_004672.5 (MANE Select); coding-DNA position 620, T replaced by G.
Protein change: p.Val207Gly; replaces valine 207 with glycine.
Molecular consequence: missense variant.
Genome position (GRCh38, 1-based): chr1:27,364,279, A>C on the plus strand (T>G on the coding strand, the complement: MAP3K6 is on the minus strand). VCF-style: chr1-27364279-A-C. GRCh37 (hg19) VCF-style: chr1-27690770-A-C.
Other names: c.596T>G, p.Val199Gly (NM_001297609.2); short protein forms V199G, V207G.
Identifiers: ClinVar variation 782682 (VCV000782682.7), dbSNP rs182712391, ClinGen allele CA714067.